The following is an entry in ClinVar:

NM_000146.4(FTL):c.310G>T (p.Glu104Ter)

Gene: FTL (ferritin light chain; plus strand). Cytogenetic location: 19q13.33.
Variant type: single nucleotide variant.
Coding change: c.310G>T on transcript NM_000146.4 (MANE Select); coding-DNA position 310, G replaced by T.
Protein change: p.Glu104Ter; replaces glutamic acid 104 with a stop codon.
Molecular consequence: nonsense.
Genome position (GRCh38, 1-based): chr19:48,966,341, G>T. VCF-style: chr19-48966341-G-T. GRCh37 (hg19) VCF-style: chr19-49469598-G-T.
Other names: c.310G>T (NM_000146.3); short protein forms E104*.
Identifiers: ClinVar variation 96690 (VCV000096690.4), dbSNP rs199869995, ClinGen allele CA149683.
Genomic context (GRCh38, chr19:48,966,341, plus strand): 5'-AAGCCAGCTGAAGATGAGTGGGGTAAAACCCCAGACGCCATGAAAGCTGCCATGGCCCTG[G>T]AGAAAAAGCTGAACCAGGCCCTTTTGGATCTTCATGCCCTGGGTTCTGCCCGCACGGACC-3'

ClinVar aggregate classification (germline): Pathogenic. Review status: criteria provided, multiple submitters, no conflicts (2 of 4 stars). 3 submissions from 3 submitters: Pathogenic (2). 1 of the submissions does not count toward it. Last evaluated 2025-05-19.

Conditions:
Inborn genetic diseases. Identifiers: MedGen C0950123, MeSH D030342.
L-ferritin deficiency (LFTD). Also called: L-FERRITIN DEFICIENCY, AUTOSOMAL DOMINANT. Identifiers: Orphanet 440731, MedGen C3810090, MONDO:0014274, OMIM 615604.
L-FERRITIN DEFICIENCY, AUTOSOMAL RECESSIVE. Identifiers: MedGen C4016051.

Allele frequency attached by ClinVar (database versions not stated): ExAC 0.00002; TOPMed below 0.00001; gnomAD exomes 0.00002.
gnomAD v4.1: 20 of 1,614,134 alleles (0.0012%); highest among the groups gnomAD compares: South Asian, 0.018%; no homozygotes.

Submissions (3):

First Genomix Gene Laboratory, Genetic Diagnostics Department
Classification: Pathogenic for L-ferritin deficiency. Last evaluated: 2025-05-19. Review status: criteria provided, single submitter. Criteria: ACMG Guidelines, 2015. Collection method: clinical testing. Allele origin: germline. Inheritance: Autosomal recessive inheritance. Affected: no. Observed: 1 variant allele.

Ambry Genetics
Classification: Pathogenic for Inborn genetic diseases. Last evaluated: 2022-03-03. Review status: criteria provided, single submitter. Criteria: Ambry Variant Classification Scheme 2023. Collection method: clinical testing. Allele origin: germline.
Comment: The c.310G>T (p.E104*) alteration, located in exon 3 (coding exon 3) of the FTL gene, consists of a G to T substitution at nucleotide position 310. This changes the amino acid from a glutamic acid (E) to a stop codon at amino acid position 104. This alteration is expected to result in loss of function by premature protein truncation or nonsense-mediated mRNA decay. Based on the available evidence, the FTL c.310G>T (p.E104*) alteration is classified as pathogenic for autosomal dominant and autosomal recessive L-ferritin deficiency; however, its clinical significance for autosomal dominant FTL-related neurodegeneration with brain iron accumulation and autosomal dominant hyperferritinemia-cataract syndrome is unclear. Based on data from gnomAD, the T allele has an overall frequency of 0.002% (4/251406) total alleles studied. The highest observed frequency was 0.003% (1/30616) of South Asian alleles. This mutation has been reported in the homozygous state in an individual with L-ferritin deficiency (Cozzi, 2013). Based on the available evidence, this alteration is classified as pathogenic.

OMIM
Classification: Pathogenic for L-FERRITIN DEFICIENCY, AUTOSOMAL RECESSIVE. Last evaluated: 2013-08-26. Review status: no assertion criteria provided. Collection method: literature only. Allele origin: germline. Not counted in ClinVar's aggregate classification.

Literature cited by the submitters: PubMed 23940258 (cited by Ambry Genetics and OMIM).